The following is an entry in ClinVar:

NM_177550.5(SLC13A5):c.441G>A (p.Met147Ile)

Gene: SLC13A5 (solute carrier family 13 member 5; minus strand). Cytogenetic location: 17p13.1.
Variant type: single nucleotide variant.
Coding change: c.441G>A on transcript NM_177550.5 (MANE Select); coding-DNA position 441, G replaced by A.
Protein change: p.Met147Ile; replaces methionine 147 with isoleucine.
Molecular consequence: missense variant.
Genome position (GRCh38, 1-based): chr17:6,703,984, C>T on the plus strand (G>A on the coding strand, the complement: SLC13A5 is on the minus strand). VCF-style: chr17-6703984-C-T. GRCh37 (hg19) VCF-style: chr17-6607303-C-T.
Other names: c.441G>A, p.Met147Ile (NM_001143838.3); c.390G>A, p.Met130Ile (NM_001284509.2); c.312G>A, p.Met104Ile (NM_001284510.2); short protein forms M147I, M130I, M104I.
Identifiers: ClinVar variation 475197 (VCV000475197.13), dbSNP rs764711084, ClinGen allele CA8331715.
Genomic context (GRCh38, chr17:6,703,984, plus strand): 5'-CTCGGTGGCTGCGCTTGTGGCTTCCATCTGCTGCAATATGGCCTCCACGATGGGCACCAT[C>T]ATGGCCGTGGTTGCCGTGTTACTGATCCACATGGACAGGAGGGCTGTGACGCCCATGAAG-3'
Protein context (NP_808218.1, residues 137-157): MWISNTATTA[Met147Ile]MVPIVEAILQ

ClinVar aggregate classification (germline): Uncertain significance. Review status: criteria provided, multiple submitters, no conflicts (2 of 4 stars). 5 submissions from 5 submitters: Uncertain significance (4). 1 of the submissions does not count toward it. Last evaluated 2024-11-04.

Conditions:
Microcephaly. Also called: Microcephaly (disease). Identifiers: MedGen C4551563, MONDO:0001149, HP:0000252.
Developmental and epileptic encephalopathy, 25 (DEE25). Also called: Epileptic encephalopathy, early infantile, 25; Developmental and epileptic encephalopathy 25, with amelogenesis imperfecta; Epileptic encephalopathy, early infantile, 25, with amelogenesis imperfecta. Identifiers: Orphanet 442835, MedGen C4014621, MONDO:0014392, OMIM 615905.

Allele frequency attached by ClinVar (database versions not stated): gnomAD exomes 0.00003 and 0.00011; gnomAD 0.00004; TOPMed 0.00010; ExAC 0.00012.

Submissions (5):

Blueprint Genetics
Classification: Uncertain significance. Last evaluated: 2024-11-04. Review status: criteria provided, single submitter. Criteria: ACMG Guidelines, 2015. Collection method: clinical testing. Allele origin: germline.

Labcorp Genetics (formerly Invitae), Labcorp
Classification: Uncertain significance for Developmental and epileptic encephalopathy, 25. Last evaluated: 2022-08-15. Review status: criteria provided, single submitter. Criteria: Invitae Variant Classification Sherloc (09022015). Collection method: clinical testing. Allele origin: germline.
Comment: This sequence change replaces methionine, which is neutral and non-polar, with isoleucine, which is neutral and non-polar, at codon 147 of the SLC13A5 protein (p.Met147Ile). This variant is present in population databases (rs764711084, gnomAD 0.1%). This variant has not been reported in the literature in individuals affected with SLC13A5-related conditions. ClinVar contains an entry for this variant (Variation ID: 475197). Algorithms developed to predict the effect of missense changes on protein structure and function are either unavailable or do not agree on the potential impact of this missense change (SIFT: "Tolerated"; PolyPhen-2: "Probably Damaging"; Align-GVGD: "Class C0"). In summary, the available evidence is currently insufficient to determine the role of this variant in disease. Therefore, it has been classified as a Variant of Uncertain Significance.

Genome-Nilou Lab
Classification: Uncertain significance for Developmental and epileptic encephalopathy, 25. Last evaluated: 2021-07-15. Review status: criteria provided, single submitter. Criteria: ACMG Guidelines, 2015. Collection method: clinical testing. Allele origin: germline. Affected: no.

GeneDx
Classification: Uncertain significance. Last evaluated: 2019-07-29. Review status: criteria provided, single submitter. Criteria: GeneDx Variant Classification Process June 2021. Collection method: clinical testing. Allele origin: germline. Affected: yes.
Comment: In silico analysis, which includes protein predictors and evolutionary conservation, supports a deleterious effect; Has not been previously published as pathogenic or benign to our knowledge

Department of Pediatrics, Samsung Medical Center, Samsung Medical Center
Classification: Uncertain significance for Microcephaly. Review status: no assertion criteria provided. Criteria: ACMG Guidelines, 2015. Collection method: research. Allele origin: germline. Affected: yes. Not counted in ClinVar's aggregate classification.